The following is an entry in ClinVar:

NM_015559.3(SETBP1):c.698A>G (p.Gln233Arg)

Gene: SETBP1 (SET binding protein 1; plus strand). Cytogenetic location: 18q12.3.
Variant type: single nucleotide variant.
Coding change: c.698A>G on transcript NM_015559.3 (MANE Select); coding-DNA position 698, A replaced by G.
Protein change: p.Gln233Arg; replaces glutamine 233 with arginine.
Molecular consequence: missense variant.
Genome position (GRCh38, 1-based): chr18:44,950,038, A>G. VCF-style: chr18-44950038-A-G. GRCh37 (hg19) VCF-style: chr18-42530003-A-G.
Other names: c.698A>G, p.Gln233Arg (NM_001379141.1, NM_001379142.1); c.698A>G (NM_015559.2); short protein forms Q233R.
Identifiers: ClinVar variation 1374210 (VCV001374210.9), dbSNP rs776263750, ClinGen allele CA299696222.

ClinVar aggregate classification (germline): Uncertain significance. Review status: criteria provided, multiple submitters, no conflicts (2 of 4 stars). 2 submissions from 2 submitters: Uncertain significance (2). Last evaluated 2025-03-30.

Conditions:
Inborn genetic diseases. Identifiers: MedGen C0950123, MeSH D030342.

Allele frequency attached by ClinVar (database versions not stated): TOPMed below 0.00001; gnomAD 0.00001; gnomAD exomes 0.00002.
gnomAD v4.1: 27 of 1,614,100 alleles (0.0017%); highest among the groups gnomAD compares: Non-Finnish European, 0.0023%; no homozygotes.

Submissions (2):

Labcorp Genetics (formerly Invitae), Labcorp
Classification: Uncertain significance. Last evaluated: 2025-03-30. Review status: criteria provided, single submitter. Criteria: Invitae Variant Classification Sherloc (09022015). Collection method: clinical testing. Allele origin: germline.
Comment: This sequence change replaces glutamine, which is neutral and polar, with arginine, which is basic and polar, at codon 233 of the SETBP1 protein (p.Gln233Arg). This variant is not present in population databases (gnomAD no frequency). This variant has not been reported in the literature in individuals affected with SETBP1-related conditions. ClinVar contains an entry for this variant (Variation ID: 1374210). Invitae Evidence Modeling of protein sequence and biophysical properties (such as structural, functional, and spatial information, amino acid conservation, physicochemical variation, residue mobility, and thermodynamic stability) indicates that this missense variant is not expected to disrupt SETBP1 protein function with a negative predictive value of 80%. In summary, the available evidence is currently insufficient to determine the role of this variant in disease. Therefore, it has been classified as a Variant of Uncertain Significance.

Ambry Genetics
Classification: Uncertain significance for Inborn genetic diseases. Last evaluated: 2024-11-10. Review status: criteria provided, single submitter. Criteria: Ambry Variant Classification Scheme 2023. Collection method: clinical testing. Allele origin: germline.